The following is an entry in ClinVar:

ClinVar aggregate classification (germline): Uncertain significance (1 of 4 stars; one submission).

Allele frequency attached by ClinVar (database versions not stated): gnomAD exomes below 0.00001.
gnomAD v4.1: 1 of 1,520,344 alleles (0.000066%); highest among the groups gnomAD compares: Non-Finnish European, 0.00009%; no homozygotes.

Submission:

GeneDx
Classification: Uncertain significance. Last evaluated: 2014-02-13. Review status: criteria provided, single submitter. Criteria: GeneDx Variant Classification (06012015). Collection method: clinical testing. Allele origin: germline. Affected: yes.
Comment: c.2487+5 G>A: IVS24+5 G>A in intron 24 of the LARS gene (NM_020117.9). The c.2487+5 G>A sequence change has not been published as a mutation, nor has it been reported as a benign polymorphism to our knowledge. In silico splice models predict that c.2487+5 G>A damages the splice donor site in intron 24. However, in the absence of RNA/functional studies, the actual effect of the c.2487+5 G>A in vivo is unknown. Therefore, based on the currently available information, it is unclear whether c.2487+5 G>A is a disease-causing mutation or a rare benign variant. The variant is found in MITONUC-MITOP panel(s).

NM_020117.11(LARS1):c.2487+5G>A

Gene: LARS1 (leucyl-tRNA synthetase 1; minus strand). Cytogenetic location: 5q32.
Variant type: single nucleotide variant.
Coding change: c.2487+5G>A on transcript NM_020117.11 (MANE Select); 5 bases into the intron after coding-DNA position 2487, G replaced by A.
Molecular consequence: intron variant.
Genome position (GRCh38, 1-based): chr5:146,131,014, C>T on the plus strand (G>A on the coding strand, the complement: LARS1 is on the minus strand). VCF-style: chr5-146131014-C-T. GRCh37 (hg19) VCF-style: chr5-145510577-C-T.
Other names: c.2325+5G>A (NM_001317965.2); c.2406+5G>A (NM_016460.4); c.2349+5G>A (NM_001317964.2).
Identifiers: ClinVar variation 214573 (VCV000214573.2), dbSNP rs863224046, ClinGen allele CA322223.